The following is an entry in ClinVar:

ClinVar aggregate classification (germline): Likely benign. Review status: criteria provided, multiple submitters, no conflicts (2 of 4 stars). 4 submissions from 4 submitters: Likely benign (4). Last evaluated 2026-09-08.

Conditions:
Cardiovascular phenotype. Identifiers: MedGen CN230736.
Fabry disease. Also called: ALPHA-GALACTOSIDASE A DEFICIENCY; ANDERSON-FABRY DISEASE; CERAMIDE TRIHEXOSIDASE DEFICIENCY; GLA DEFICIENCY; HEREDITARY DYSTOPIC LIPIDOSIS; Ceramide trihexosidosis. Identifiers: Orphanet 324, MedGen C0002986, MONDO:0010526, OMIM 301500, HP:0001071. Disease mechanism: Fabry disease is due to inactivating mutations in the X-linked GLA gene resulting in deficiency of the enzyme Alpha Galactosidase-A., loss of function.

Allele frequency attached by ClinVar (database versions not stated): gnomAD exomes below 0.00001; TOPMed 0.00002.
gnomAD v4.1: 5 of 1,207,392 alleles (0.00041%); highest among the groups gnomAD compares: Non-Finnish European, 0.00056%; no homozygotes.

Submissions (4):

Genomenon, Inc
Classification: Likely benign for Fabry disease. Last evaluated: 2026-09-08. Review status: criteria provided, single submitter. Criteria: Genomenon Sequence Variant Interpretation Standards - Updated. Collection method: curation. Allele origin: germline. Affected: no.
Comment: GLA c.456C>T is a synonymous variant that retains Tyrosine at codon 152. This variant has been reported in the published literature (PMID:39099234). It is absent or not present at a significant frequency in gnomAD. This variant is not predicted to impact splicing. In conclusion, we classify GLA p.Tyr152= (c.456C>T) as a likely benign variant.

Ambry Genetics
Classification: Likely benign for Cardiovascular phenotype. Last evaluated: 2026-04-21. Review status: criteria provided, single submitter. Criteria: Ambry Variant Classification Scheme 2023. Collection method: clinical testing. Allele origin: germline.

Labcorp Genetics (formerly Invitae), Labcorp
Classification: Likely benign for Fabry disease. Last evaluated: 2024-08-26. Review status: criteria provided, single submitter. Criteria: Invitae Variant Classification Sherloc (09022015). Collection method: clinical testing. Allele origin: germline.

Color Diagnostics, LLC DBA Color Health
Classification: Likely benign for Fabry disease. Last evaluated: 2022-11-06. Review status: criteria provided, single submitter. Criteria: ACMG Guidelines, 2015. Collection method: clinical testing. Allele origin: germline.

Literature cited by the submitters: PubMed 39099234 (cited by Genomenon, Inc).

NM_000169.3(GLA):c.456C>T (p.Tyr152=)

Genes: GLA (galactosidase alpha; minus strand), RPL36A-HNRNPH2 (RPL36A-HNRNPH2 readthrough; plus strand). Cytogenetic location: Xq22.1.
Variant type: single nucleotide variant.
Coding change: c.456C>T on transcript NM_000169.3 (MANE Select); coding-DNA position 456, C replaced by T.
Protein change: p.Tyr152=; no amino-acid change (tyrosine 152 retained).
Molecular consequence: synonymous variant. On other transcripts: non-coding transcript variant (3), intron variant (2).
Genome position (GRCh38, 1-based): chrX:101,401,723, G>A on the plus strand (C>T on the coding strand, the complement: GLA is on the minus strand). VCF-style: chrX-101401723-G-A. GRCh37 (hg19) VCF-style: chrX-100656711-G-A.
Other names: c.579C>T, p.Tyr193= (NM_001406747.1, NM_001406749.1); c.456C>T, p.Tyr152= (NM_001406748.1); c.300+6266G>A (NM_001199973.2); c.177+9901G>A (NM_001199974.2).
Identifiers: ClinVar variation 1097822 (VCV001097822.11), dbSNP rs1555985827, ClinGen allele CA517522464.
Genomic context (GRCh38, chrX:101,401,723, plus strand): 5'-ACAACCATCAAATTTTAGCAGATCTACTCCCCAGTCAGCAAAGGTCTGGGCATCAATGTC[G>A]TAGTATCCAAAACTCCCAGGGAAGCCTGCGCAGGTTTTATTTCCAACATCTGCATAAATC-3'
Protein context (NP_000160.1, residues 142-162): CAGFPGSFGY[Tyr152=]DIDAQTFADW